The following is an entry in ClinVar:

ClinVar aggregate classification (germline): Likely benign (1 of 4 stars; one submission).

gnomAD v4.1: 4,373 of 1,529,712 alleles (0.29%); highest among the groups gnomAD compares: Middle Eastern, 0.94%; 18 homozygotes.

Submission:

CeGaT Center for Human Genetics Tuebingen
Classification: Likely benign. Last evaluated: 2026-03-01. Review status: criteria provided, single submitter. Criteria: CeGaT Center For Human Genetics Tuebingen Variant Classification Criteria Version 2. Collection method: clinical testing. Allele origin: germline. Affected: yes. Observed: 1 variant allele.
Comment: CCN2: BS2

NM_001901.4(CCN2):c.172C>G (p.Arg58Gly)

Genes: CCN2 (cellular communication network factor 2; minus strand), CCN2-AS1 (CCN2 antisense RNA 1; plus strand). Cytogenetic location: 6q23.2.
Variant type: single nucleotide variant.
Coding change: c.172C>G on transcript NM_001901.4 (MANE Select); coding-DNA position 172, C replaced by G.
Protein change: p.Arg58Gly; replaces arginine 58 with glycine.
Molecular consequence: missense variant.
Genome position (GRCh38, 1-based): chr6:131,950,887, G>C on the plus strand (C>G on the coding strand, the complement: CCN2 is on the minus strand). VCF-style: chr6-131950887-G-C. GRCh37 (hg19) VCF-style: chr6-132272027-G-C.
Other names: short protein forms R58G.
Identifiers: ClinVar variation 4820888 (VCV004820888.4).